The following is an entry in ClinVar:

ClinVar aggregate classification (germline): Uncertain significance (1 of 4 stars; one submission).

Conditions:
Cardiomyopathy (CMYO). Also called: Cardiomyopathies. Identifiers: Orphanet 167848, MedGen C0878544, MONDO:0004994, HP:0001638. Inheritance: Various modes of inheritance.

Submission:

Color Diagnostics, LLC DBA Color Health
Classification: Uncertain significance for Cardiomyopathy. Last evaluated: 2025-08-07. Review status: criteria provided, single submitter. Criteria: ACMG Guidelines, 2015. Collection method: clinical testing. Allele origin: germline.
Comment: This missense variant replaces alanine with serine at codon 3139 of the RYR2 protein. Computational prediction suggests that this variant may not impact protein structure and function. To our knowledge, functional studies have not been reported for this variant. This variant has not been reported in individuals affected with RYR2-related disorders in the literature. This variant has not been identified in the general population by the Genome Aggregation Database (gnomAD). The available evidence is insufficient to determine the role of this variant in disease conclusively. Therefore, this variant is classified as a Variant of Uncertain Significance.

NM_001035.3(RYR2):c.9415G>T (p.Ala3139Ser)

Gene: RYR2 (ryanodine receptor 2; plus strand). Cytogenetic location: 1q43.
Variant type: single nucleotide variant.
Coding change: c.9415G>T on transcript NM_001035.3 (MANE Select); coding-DNA position 9415, G replaced by T.
Protein change: p.Ala3139Ser; replaces alanine 3139 with serine.
Molecular consequence: missense variant.
Genome position (GRCh38, 1-based): chr1:237,702,025, G>T. VCF-style: chr1-237702025-G-T. GRCh37 (hg19) VCF-style: chr1-237865325-G-T.
Other names: short protein forms A3139S.
Identifiers: ClinVar variation 2774364 (VCV002774364.3), dbSNP rs2547374755, ClinGen allele CA345406386.